The following is an entry in ClinVar:

ClinVar aggregate classification (germline): Uncertain significance (1 of 4 stars; one submission).

Conditions:
Hereditary sensory and autonomic neuropathy type 6. Also called: HSAN VI; Neuropathy, hereditary sensory and autonomic, type VI. Identifiers: Orphanet 314381, MedGen C3539003, MONDO:0013839, OMIM 614653.
Epidermolysis bullosa simplex 3, localized or generalized intermediate, with BP230 deficiency (EBS3). Also called: Epidermolysis bullosa simplex, autosomal recessive 2; Epidermolysis bullosa simplex due to BP230 deficiency. Identifiers: Orphanet 412181, MedGen C3809470, MONDO:0014180, OMIM 615425.

Allele frequency attached by ClinVar (database versions not stated): ExAC 0.00002; gnomAD 0.00003; TOPMed 0.00004.
gnomAD v4.1: 18 of 1,613,746 alleles (0.0011%); highest among the groups gnomAD compares: East Asian, 0.013%; no homozygotes.

Submission:

Labcorp Genetics (formerly Invitae), Labcorp
Classification: Uncertain significance for Epidermolysis bullosa simplex 3, localized or generalized intermediate, with BP230 deficiency; Hereditary sensory and autonomic neuropathy type 6. Last evaluated: 2022-11-01. Review status: criteria provided, single submitter. Criteria: Invitae Variant Classification Sherloc (09022015). Collection method: clinical testing. Allele origin: germline.
Comment: This sequence change replaces tyrosine, which is neutral and polar, with cysteine, which is neutral and slightly polar, at codon 2385 of the DST protein (p.Tyr2385Cys). This variant is present in population databases (rs755135829, gnomAD 0.03%). This variant has not been reported in the literature in individuals affected with DST-related conditions. ClinVar contains an entry for this variant (Variation ID: 541464). Algorithms developed to predict the effect of missense changes on protein structure and function are either unavailable or do not agree on the potential impact of this missense change (SIFT: "Deleterious"; PolyPhen-2: "Benign"; Align-GVGD: "Class C45"). In summary, the available evidence is currently insufficient to determine the role of this variant in disease. Therefore, it has been classified as a Variant of Uncertain Significance.

NM_001723.7(DST):c.7154A>G (p.Tyr2385Cys)

Gene: DST (dystonin; minus strand). Cytogenetic location: 6p12.1.
Variant type: single nucleotide variant.
Coding change: c.7154A>G on transcript NM_001723.7 (MANE Plus Clinical); coding-DNA position 7154, A replaced by G.
Protein change: p.Tyr2385Cys; replaces tyrosine 2385 with cysteine.
Molecular consequence: missense variant. On other transcripts: intron variant (10).
Genome position (GRCh38, 1-based): chr6:56,616,313, T>C on the plus strand (A>G on the coding strand, the complement: DST is on the minus strand). VCF-style: chr6-56616313-T-C. GRCh37 (hg19) VCF-style: chr6-56481111-T-C.
Other names: c.4831-1829A>G (NM_001144769.5); c.4930-1829A>G (NM_001374722.1, NM_001374736.1); c.4957-1829A>G (NM_001374734.1); c.4417-1829A>G (NM_001144770.2); c.4297-1829A>G (NM_001374730.1, NM_001386100.1, NM_183380.4 and 1 more transcripts); c.3319-1829A>G (NM_015548.5); short protein forms Y2385C.
Identifiers: ClinVar variation 541464 (VCV000541464.9), dbSNP rs755135829, ClinGen allele CA3870015.
Genomic context (GRCh38, chr6:56,616,313, plus strand): 5'-TCATTAATATTGAAGTGTAATCCTGTTTTAGTATCAGTCAGCATATGAGAAGAATGCCCA[T>C]AGGATTCAAAAAACATAGCTTCCTTCCACTGATATTGCTGCCCTGAAAGTTCAAGATATA-3'
Protein context (NP_001714.1, residues 2375-2395): QWKEAMFFES[Tyr2385Cys]GHSSHMLTDT